The following is an entry in ClinVar:

ClinVar aggregate classification (germline): Uncertain significance (1 of 4 stars; one submission).

Submission:

Labcorp Genetics (formerly Invitae), Labcorp
Classification: Uncertain significance. Last evaluated: 2024-02-24. Review status: criteria provided, single submitter. Criteria: Invitae Variant Classification Sherloc (09022015). Collection method: clinical testing. Allele origin: germline.
Comment: This variant, c.1572_1573insGGAAGCTCCAGCGGCGGCCACGGCGGCGGAAGCTCCAGCGGCGGCCACGGCGGC, results in the insertion of 18 amino acid(s) of the KRT10 protein (p.Gly524_Ser525insGlySerSerSerGlyGlyHisGlyGlyGlySerSerSerGlyGlyHisGlyGly), but otherwise preserves the integrity of the reading frame. This variant is not present in population databases (gnomAD no frequency). This variant has not been reported in the literature in individuals affected with KRT10-related conditions. In summary, the available evidence is currently insufficient to determine the role of this variant in disease. Therefore, it has been classified as a Variant of Uncertain Significance.

NM_000421.5(KRT10):c.1546GGAAGCTCCAGCGGCGGCCACGGCGGC[3] (p.Gly524_Ser525insGlySerSerSerGlyGlyHisGlyGlyGlySerSerSerGlyGlyHisGlyGly)

Gene: KRT10 (keratin 10; minus strand). Cytogenetic location: 17q21.2.
Variant type: Microsatellite.
Coding change: c.1546GGAAGCTCCAGCGGCGGCCACGGCGGC[3] on transcript NM_000421.5 (MANE Select); three copies in a row of the 27-base unit GGAAGCTCCAGCGGCGGCCACGGCGGC starting at c.1546.
Protein change: p.Gly524_Ser525insGlySerSerSerGlyGlyHisGlyGlyGlySerSerSerGlyGlyHisGlyGly.
Molecular consequence: inframe insertion.
Genome position: GRCh38, VCF-style position (the base before the change): chr17:40,818,962. GRCh37 (hg19), VCF-style position (the base before the change): chr17:38,975,214.
Other names: c.1546GGAAGCTCCAGCGGCGGCCACGGCGGC[3], p.Gly524_Ser525insGlySerSerSerGlyGlyHisGlyGlyGlySerSerSerGlyGlyHisGlyGly (NM_001379366.1).
Identifiers: ClinVar variation 2987077 (VCV002987077.3), dbSNP rs1555548442, ClinGen allele CA983720051.